The following is an entry in ClinVar:

NM_000321.3(RB1):c.1336T>A (p.Tyr446Asn)

Gene: RB1 (RB transcriptional corepressor 1; plus strand). Cytogenetic location: 13q14.2.
Variant type: single nucleotide variant.
Coding change: c.1336T>A on transcript NM_000321.3 (MANE Select); coding-DNA position 1336, T replaced by A.
Protein change: p.Tyr446Asn; replaces tyrosine 446 with asparagine.
Molecular consequence: missense variant.
Genome position (GRCh38, 1-based): chr13:48,379,597, T>A. VCF-style: chr13-48379597-T-A. GRCh37 (hg19) VCF-style: chr13-48953733-T-A.
Other names: c.1336T>A, p.Tyr446Asn (NM_001407165.1, NM_001407166.1); short protein forms Y446N.
Identifiers: ClinVar variation 1770254 (VCV001770254.2), dbSNP rs1948513840, ClinGen allele CA388162534.

ClinVar aggregate classification (germline): Uncertain significance (1 of 4 stars; one submission).

Conditions:
Hereditary cancer-predisposing syndrome. Also called: Hereditary Cancer Syndrome; Hereditary neoplastic syndrome; Neoplastic Syndromes, Hereditary; Tumor predisposition. Identifiers: Orphanet 140162, MedGen C0027672, MeSH D009386, MONDO:0015356.

Submission:

Ambry Genetics
Classification: Uncertain significance for Hereditary cancer-predisposing syndrome. Last evaluated: 2022-02-15. Review status: criteria provided, single submitter. Criteria: Ambry Variant Classification Scheme 2023. Collection method: clinical testing. Allele origin: germline.
Comment: The p.Y446N variant (also known as c.1336T>A), located in coding exon 14 of the RB1 gene, results from a T to A substitution at nucleotide position 1336. The tyrosine at codon 446 is replaced by asparagine, an amino acid with dissimilar properties. This amino acid position is conserved. In addition, this alteration is predicted to be deleterious by in silico analysis. Since supporting evidence is limited at this time, the clinical significance of this alteration remains unclear.